The following is an entry in ClinVar:

NM_145046.5(CALR3):c.698T>C (p.Leu233Pro)

Gene: CALR3 (calreticulin 3; minus strand). Cytogenetic location: 19p13.11.
Variant type: single nucleotide variant.
Coding change: c.698T>C on transcript NM_145046.5 (MANE Select); coding-DNA position 698, T replaced by C.
Protein change: p.Leu233Pro; replaces leucine 233 with proline.
Molecular consequence: missense variant.
Genome position (GRCh38, 1-based): chr19:16,482,766, A>G on the plus strand (T>C on the coding strand, the complement: CALR3 is on the minus strand). VCF-style: chr19-16482766-A-G. GRCh37 (hg19) VCF-style: chr19-16593577-A-G.
Other names: short protein forms L233P.
Identifiers: ClinVar variation 4734706 (VCV004734706.1).

ClinVar aggregate classification (germline): Uncertain significance (1 of 4 stars; one submission).

Conditions:
Hypertrophic cardiomyopathy 19. Also called: Familial hypertrophic cardiomyopathy 19. Identifiers: MedGen CN077603, MONDO:0013476.

Submission:

Labcorp Genetics (formerly Invitae), Labcorp
Classification: Uncertain significance for Hypertrophic cardiomyopathy 19. Last evaluated: 2025-02-18. Review status: criteria provided, single submitter. Criteria: Invitae Variant Classification Sherloc (09022015). Collection method: clinical testing. Allele origin: germline.
Comment: This sequence change replaces leucine, which is neutral and non-polar, with proline, which is neutral and non-polar, at codon 233 of the CALR3 protein (p.Leu233Pro). This variant is not present in population databases (gnomAD no frequency). This variant has not been reported in the literature in individuals affected with CALR3-related conditions. Invitae Evidence Modeling of protein sequence and biophysical properties (such as structural, functional, and spatial information, amino acid conservation, physicochemical variation, residue mobility, and thermodynamic stability) indicates that this missense variant is not expected to disrupt CALR3 protein function with a negative predictive value of 80%. In summary, the available evidence is currently insufficient to determine the role of this variant in disease. Therefore, it has been classified as a Variant of Uncertain Significance.